The following is an entry in ClinVar:

ClinVar aggregate classification (germline): Uncertain significance. Review status: criteria provided, multiple submitters, no conflicts (2 of 4 stars). 2 submissions from 2 submitters: Uncertain significance (2). Last evaluated 2024-10-08.

Conditions:
Dyskeratosis congenita, autosomal dominant 2. Identifiers: MedGen C3151443, MONDO:0013521, OMIM 613989.
Idiopathic Pulmonary Fibrosis. Also called: Idiopathic fibrosing alveolitis, chronic form; idiopathic fibrosing alveolitis. Identifiers: Orphanet 2032, MedGen C1800706, MeSH D054990, MONDO:0800504.
Dyskeratosis congenita. Identifiers: Orphanet 1775, MedGen C0265965, MONDO:0015780.

Submissions (2):

Labcorp Genetics (formerly Invitae), Labcorp
Classification: Uncertain significance for Dyskeratosis congenita, autosomal dominant 2; Idiopathic Pulmonary Fibrosis. Last evaluated: 2024-10-08. Review status: criteria provided, single submitter. Criteria: Invitae Variant Classification Sherloc (09022015). Collection method: clinical testing. Allele origin: germline.
Comment: This sequence change replaces arginine, which is basic and polar, with cysteine, which is neutral and slightly polar, at codon 470 of the TERT protein (p.Arg470Cys). This variant is not present in population databases (gnomAD no frequency). This variant has not been reported in the literature in individuals affected with TERT-related conditions. ClinVar contains an entry for this variant (Variation ID: 1516537). Invitae Evidence Modeling of protein sequence and biophysical properties (such as structural, functional, and spatial information, amino acid conservation, physicochemical variation, residue mobility, and thermodynamic stability) indicates that this missense variant is not expected to disrupt TERT protein function with a negative predictive value of 95%. In summary, the available evidence is currently insufficient to determine the role of this variant in disease. Therefore, it has been classified as a Variant of Uncertain Significance.

Ambry Genetics
Classification: Uncertain significance for Dyskeratosis congenita. Last evaluated: 2022-07-27. Review status: criteria provided, single submitter. Criteria: Ambry Variant Classification Scheme 2023. Collection method: clinical testing. Allele origin: germline.
Comment: The p.R470C variant (also known as c.1408C>T), located in coding exon 2 of the TERT gene, results from a C to T substitution at nucleotide position 1408. The arginine at codon 470 is replaced by cysteine, an amino acid with highly dissimilar properties. This amino acid position is conserved. In addition, this alteration is predicted to be tolerated by in silico analysis. Since supporting evidence is limited at this time, the clinical significance of this alteration remains unclear.

NM_198253.3(TERT):c.1408C>T (p.Arg470Cys)

Gene: TERT (telomerase reverse transcriptase; minus strand). Cytogenetic location: 5p15.33.
Variant type: single nucleotide variant.
Coding change: c.1408C>T on transcript NM_198253.3 (MANE Select); coding-DNA position 1408, C replaced by T.
Protein change: p.Arg470Cys; replaces arginine 470 with cysteine.
Molecular consequence: missense variant. On other transcripts: non-coding transcript variant (2).
Genome position (GRCh38, 1-based): chr5:1,293,478, G>A on the plus strand (C>T on the coding strand, the complement: TERT is on the minus strand). VCF-style: chr5-1293478-G-A. GRCh37 (hg19) VCF-style: chr5-1293593-G-A.
Other names: c.1408C>T, p.Arg470Cys (NM_001193376.3); short protein forms R470C.
Identifiers: ClinVar variation 1516537 (VCV001516537.10), dbSNP rs1482602039, ClinGen allele CA359085740.